The following is an entry in ClinVar:

ClinVar aggregate classification (germline): Uncertain significance. Review status: criteria provided, multiple submitters, no conflicts (2 of 4 stars). 5 submissions from 5 submitters: Uncertain significance (2). 3 of the submissions do not count toward it. Last evaluated 2024-10-24.

Conditions:
Ichthyosis linearis circumflexa. Identifiers: MedGen C0265962, MONDO:0043106, HP:0025810.

Allele frequency attached by ClinVar (database versions not stated): gnomAD 0.00020 and 0.00021; TOPMed 0.00020; ESP Exome Variant Server 0.00050; ExAC 0.00012; gnomAD exomes 0.00012.
gnomAD v4.1: 543 of 1,613,832 alleles (0.034%); highest among the groups gnomAD compares: Middle Eastern, 0.049%; no homozygotes.

Submissions (5):

Blueprint Genetics
Classification: Uncertain significance. Last evaluated: 2024-10-24. Review status: criteria provided, single submitter. Criteria: ACMG Guidelines, 2015. Collection method: clinical testing. Allele origin: germline.

Labcorp Genetics (formerly Invitae), Labcorp
Classification: Uncertain significance for Ichthyosis linearis circumflexa. Last evaluated: 2024-01-29. Review status: criteria provided, single submitter. Criteria: Invitae Variant Classification Sherloc (09022015). Collection method: clinical testing. Allele origin: germline.
Comment: This sequence change replaces cysteine, which is neutral and slightly polar, with glycine, which is neutral and non-polar, at codon 807 of the SPINK5 protein (p.Cys807Gly). This variant is present in population databases (rs201815688, gnomAD 0.03%). This variant has not been reported in the literature in individuals affected with SPINK5-related conditions. ClinVar contains an entry for this variant (Variation ID: 567073). Advanced modeling of protein sequence and biophysical properties (such as structural, functional, and spatial information, amino acid conservation, physicochemical variation, residue mobility, and thermodynamic stability) has been performed at Invitae for this missense variant, however the output from this modeling did not meet the statistical confidence thresholds required to predict the impact of this variant on SPINK5 protein function. In summary, the available evidence is currently insufficient to determine the role of this variant in disease. Therefore, it has been classified as a Variant of Uncertain Significance.

Clinical Genetics DNA and cytogenetics Diagnostics Lab, Erasmus MC, Erasmus Medical Center
Classification: Uncertain significance. Review status: no assertion criteria provided. Collection method: clinical testing. Allele origin: germline. Affected: yes. Study: VKGL Data-share Consensus. Not counted in ClinVar's aggregate classification.

Genome Diagnostics Laboratory, University Medical Center Utrecht
Classification: Uncertain significance. Review status: no assertion criteria provided. Collection method: clinical testing. Allele origin: germline. Affected: yes. Study: VKGL Data-share Consensus. Not counted in ClinVar's aggregate classification.

Laboratory of Diagnostic Genome Analysis, Leiden University Medical Center (LUMC)
Classification: Uncertain significance. Review status: no assertion criteria provided. Collection method: clinical testing. Allele origin: germline. Affected: yes. Study: VKGL Data-share Consensus. Not counted in ClinVar's aggregate classification.

NM_006846.4(SPINK5):c.2419T>G (p.Cys807Gly)

Gene: SPINK5 (serine peptidase inhibitor Kazal type 5; plus strand). Cytogenetic location: 5q32.
Variant type: single nucleotide variant.
Coding change: c.2419T>G on transcript NM_006846.4 (MANE Select); coding-DNA position 2419, T replaced by G.
Protein change: p.Cys807Gly; replaces cysteine 807 with glycine.
Molecular consequence: missense variant.
Genome position (GRCh38, 1-based): chr5:148,120,114, T>G. VCF-style: chr5-148120114-T-G. GRCh37 (hg19) VCF-style: chr5-147499677-T-G.
Other names: c.2419T>G, p.Cys807Gly (NM_001127698.2, NM_001127699.2); short protein forms C807G.
Identifiers: ClinVar variation 567073 (VCV000567073.11), dbSNP rs201815688, ClinGen allele CA3495979.